The following is an entry in ClinVar:

ClinVar aggregate classification (germline): Pathogenic (1 of 4 stars; one submission).

Conditions:
Neurofibromatosis, type 1 (NF1). Also called: NEUROFIBROMATOSIS, TYPE I, SOMATIC; VON RECKLINGHAUSEN DISEASE; Peripheral type neurofibromatosis; Neurofibromatosis, type I. Identifiers: Orphanet 636, MedGen C0027831, MONDO:0018975, OMIM 162200. Disease mechanism: loss of function.

Submission:

Labcorp Genetics (formerly Invitae), Labcorp
Classification: Pathogenic for Neurofibromatosis, type 1. Last evaluated: 2021-12-23. Review status: criteria provided, single submitter. Criteria: Invitae Variant Classification Sherloc (09022015). Collection method: clinical testing. Allele origin: germline.
Comment: This sequence change creates a premature translational stop signal (p.Tyr408Ilefs*23) in the NF1 gene. It is expected to result in an absent or disrupted protein product. Loss-of-function variants in NF1 are known to be pathogenic (PMID: 10712197, 23913538). This variant is not present in population databases (gnomAD no frequency). This variant has not been reported in the literature in individuals affected with NF1-related conditions. For these reasons, this variant has been classified as Pathogenic.

Literature cited by the submitters: PubMed 10712197; PubMed 23913538.

NM_001042492.3(NF1):c.1215_1221dup (p.Tyr408fs)

Gene: NF1 (neurofibromin 1; plus strand). Cytogenetic location: 17q11.2.
Variant type: Duplication.
Coding change: c.1215_1221dup on transcript NM_001042492.3 (MANE Select); coding-DNA positions 1215 to 1221, 7 bases duplicated (ATTTCAC; older notation c.1215_1221dupATTTCAC).
Protein change: p.Tyr408fs; shifts the reading frame from tyrosine 408.
Molecular consequence: frameshift variant.
Genome position (GRCh38, 1-based): chr17:31,201,440-31,201,446, ATTTCAC duplicated; duplicating any 7 consecutive bases within chr17:31,201,438-31,201,446 gives the same sequence; the c. name uses the placement nearest the transcript's 3' end. VCF-style (leftmost placement, unchanged base first): chr17-31201437-T-TACATTTC. GRCh37 (hg19) VCF-style: chr17-29528455-T-TACATTTC.
Other names: c.1215_1221dup, p.Tyr408Ilefs (NM_000267.4); c.1215_1221dup, p.Tyr408fs (NM_001128147.3); short protein forms Y408fs.
Identifiers: ClinVar variation 2056156 (VCV002056156.4), dbSNP rs2544799793, ClinGen allele CA2580092969.